The following is an entry in ClinVar:

ClinVar aggregate classification (germline): Conflicting classifications of pathogenicity. Review status: criteria provided, conflicting classifications (1 of 4 stars). 2 submissions from 2 submitters: Uncertain significance (1); Likely benign (1). Last evaluated 2023-03-23.

Conditions:
Hereditary breast ovarian cancer syndrome. Also called: Hereditary breast and ovarian cancer; Hereditary breast and/or ovarian cancer syndrome; Breast and ovarian cancer; BRCA1- and BRCA2-Associated Hereditary Breast and Ovarian Cancer; Hereditary breast and ovarian cancer syndrome; Hereditary breast and ovarian cancer syndrome (HBOC). Identifiers: Orphanet 145, MedGen C0677776, MeSH D061325, MONDO:0003582. Disease mechanism: loss of function.
Hereditary cancer-predisposing syndrome. Also called: Tumor predisposition; Hereditary neoplastic syndrome; Neoplastic Syndromes, Hereditary; Hereditary Cancer Syndrome. Identifiers: Orphanet 140162, MedGen C0027672, MeSH D009386, MONDO:0015356.

Submissions (2):

University of Washington Department of Laboratory Medicine, University of Washington
Classification: Likely benign for Hereditary cancer-predisposing syndrome. Last evaluated: 2023-03-23. Review status: criteria provided, single submitter. Criteria: Dines et al. (Genet Med. 2020). Collection method: curation. Allele origin: germline.
Comment: Missense variant in a coldspot region where missense variants are very unlikely to be pathogenic (PMID:31911673).

BRCA1 coldspot (exon 11 using historical exon numbering). Reclassification based on statistical prior probability

Labcorp Genetics (formerly Invitae), Labcorp
Classification: Uncertain significance for Hereditary breast ovarian cancer syndrome. Last evaluated: 2022-10-17. Review status: criteria provided, single submitter. Criteria: Invitae Variant Classification Sherloc (09022015). Collection method: clinical testing. Allele origin: germline.
Comment: Advanced modeling of protein sequence and biophysical properties (such as structural, functional, and spatial information, amino acid conservation, physicochemical variation, residue mobility, and thermodynamic stability) performed at Invitae indicates that this missense variant is not expected to disrupt BRCA1 protein function. This variant has not been reported in the literature in individuals affected with BRCA1-related conditions. This variant is not present in population databases (gnomAD no frequency). This sequence change replaces glycine, which is neutral and non-polar, with alanine, which is neutral and non-polar, at codon 1319 of the BRCA1 protein (p.Gly1319Ala). In summary, the available evidence is currently insufficient to determine the role of this variant in disease. Therefore, it has been classified as a Variant of Uncertain Significance.

NM_007294.4(BRCA1):c.3956G>C (p.Gly1319Ala)

Genes: BRCA1 (BRCA1 DNA repair associated; minus strand), LOC126862571 (BRD4-independent group 4 enhancer GRCh37_chr17:41243136-41244335; plus strand). Cytogenetic location: 17q21.31.
Variant type: single nucleotide variant.
Coding change: c.3956G>C on transcript NM_007294.4 (MANE Select); coding-DNA position 3956, G replaced by C.
Protein change: p.Gly1319Ala; replaces glycine 1319 with alanine.
Molecular consequence: missense variant. On other transcripts: intron variant (135).
Genome position (GRCh38, 1-based): chr17:43,091,575, C>G on the plus strand (G>C on the coding strand, the complement: BRCA1 is on the minus strand). VCF-style: chr17-43091575-C-G. GRCh37 (hg19) VCF-style: chr17-41243592-C-G.
Other names: c.3812G>C, p.Gly1271Ala (NM_001407845.1, NM_001407846.1, NM_001407847.1 and 20 more transcripts); c.3815G>C, p.Gly1272Ala (NM_001407850.1, NM_001407851.1, NM_001407852.1 and 29 more transcripts); c.3743G>C, p.Gly1248Ala (NM_001407853.1, NM_001407571.1, NM_001407894.1 and 9 more transcripts); c.3956G>C, p.Gly1319Ala (NM_001407854.1, NM_001407858.1, NM_001407859.1 and 30 more transcripts); c.3953G>C, p.Gly1318Ala (NM_001407861.1, NM_001407860.1, NM_001407587.1 and 22 more transcripts); c.3947G>C, p.Gly1316Ala (NM_001407646.1, NM_001407647.1); c.3833G>C, p.Gly1278Ala (NM_001407648.1, NM_001407664.1, NM_001407665.1 and 19 more transcripts); c.3830G>C, p.Gly1277Ala (NM_001407649.1, NM_001407670.1, NM_001407671.1 and 11 more transcripts); and 41 more; short protein forms G1023A, G1192A, G1207A, G1231A, G1277A, G1316A, G1230A, G1248A.
Identifiers: ClinVar variation 1943286 (VCV001943286.7), dbSNP rs587782634, ClinGen allele CA10594050.